The following is an entry in ClinVar:

NM_001631.5(ALPI):c.1332G>A (p.Val444=)

Gene: ALPI (alkaline phosphatase, intestinal; plus strand). Cytogenetic location: 2q37.1.
Variant type: single nucleotide variant.
Coding change: c.1332G>A on transcript NM_001631.5 (MANE Select); coding-DNA position 1332, G replaced by A.
Protein change: p.Val444=; no amino-acid change (valine 444 retained).
Molecular consequence: synonymous variant.
Genome position (GRCh38, 1-based): chr2:232,458,891, G>A. VCF-style: chr2-232458891-G-A. GRCh37 (hg19) VCF-style: chr2-233323601-G-A.
Identifiers: ClinVar variation 3042656 (VCV003042656.3), dbSNP rs145542166, ClinGen allele CA2166774.
Genomic context (GRCh38, chr2:232,458,891, plus strand): 5'-GCCCTGAAGTGCACTCACCCTCCTACCAGGGAGCCCCGATTACCAGCAGCAGGCGGCGGT[G>A]CCCCTGTCGTCCGAGACCCACGGAGGCGAAGACGTGGCGGTGTTTGCGCGCGGCCCGCAG-3'
Protein context (NP_001622.2, residues 434-454): GSPDYQQQAA[Val444=]PLSSETHGGE

ClinVar aggregate classification (germline): Likely benign. Review status: criteria provided, single submitter (1 of 4 stars). 2 submissions from 2 submitters: Likely benign (1). 1 of the submissions does not count toward it. Last evaluated 2024-09-13.

Conditions:
ALPI-related disorder. Also called: ALPI-related condition.

Allele frequency attached by ClinVar (database versions not stated): ExAC 0.00029; 1000 Genomes Project 0.00060; 1000 Genomes Project 30x 0.00062; ESP Exome Variant Server 0.00085; TOPMed 0.00086.
gnomAD v4.1: 281 of 1,610,566 alleles (0.017%); highest among the groups gnomAD compares: African/African-American, 0.29%; no homozygotes.

Submissions (2):

Blueprint Genetics
Classification: Likely benign. Last evaluated: 2024-09-13. Review status: criteria provided, single submitter. Criteria: ACMG Guidelines, 2015. Collection method: clinical testing. Allele origin: germline.

PreventionGenetics, part of Exact Sciences
Classification: Likely benign for ALPI-related condition. Last evaluated: 2019-03-16. Review status: no assertion criteria provided. Collection method: clinical testing. Allele origin: germline. Not counted in ClinVar's aggregate classification.
Comment: This variant is classified as likely benign based on ACMG/AMP sequence variant interpretation guidelines (Richards et al. 2015 PMID: 25741868, with internal and published modifications).